The following is an entry in ClinVar:

NM_001382567.1(STIM1):c.1591C>T (p.Arg531Trp)

Gene: STIM1 (stromal interaction molecule 1; plus strand). Cytogenetic location: 11p15.4.
Variant type: single nucleotide variant.
Coding change: c.1591C>T on transcript NM_001382567.1 (MANE Select); coding-DNA position 1591, C replaced by T.
Protein change: p.Arg531Trp; replaces arginine 531 with tryptophan.
Molecular consequence: missense variant. On other transcripts: non-coding transcript variant (3).
Genome position (GRCh38, 1-based): chr11:4,086,500, C>T. VCF-style: chr11-4086500-C-T. GRCh37 (hg19) VCF-style: chr11-4107730-C-T.
Other names: c.1276C>T, p.Arg426Trp (NM_001382566.1, NM_001382575.1, NM_001382576.1 and 3 more transcripts); c.1519C>T, p.Arg507Trp (NM_001382568.1); c.1363C>T, p.Arg455Trp (NM_001382569.1); c.1270C>T, p.Arg424Trp (NM_001382570.1); c.1018C>T, p.Arg340Trp (NM_001382571.1); c.1009C>T, p.Arg337Trp (NM_001382580.1, NM_001382581.1); c.1498C>T, p.Arg500Trp (NM_003156.4, NM_001277961.3, NM_001277962.2); c.1498C>T (NM_003156.3); short protein forms R337W, R340W, R424W, R426W, R455W, R500W, R507W, R531W.
Identifiers: ClinVar variation 1023852 (VCV001023852.11), dbSNP rs772902514, ClinGen allele CA5830510.
Genomic context (GRCh38, chr11:4,086,500, plus strand): 5'-CTGGCCCCTCCTGACACTTTCTTTATTCTCCTTGCAGCCCCTAGCCTGCAGAGCAGTGTT[C>T]GGCAGCGCCTGACGGAGCCACAGCATGGCCTGGGATCTCAGAGGTTGGTAGAGGGCGAGG-3'
Protein context (NP_001369496.1, residues 521-541): YPAPSLQSSV[Arg531Trp]QRLTEPQHGL

ClinVar aggregate classification (germline): Uncertain significance. Review status: criteria provided, multiple submitters, no conflicts (2 of 4 stars). 3 submissions from 3 submitters: Uncertain significance (3). Last evaluated 2026-09-10.

Conditions:
Stormorken syndrome (STRMK). Also called: THROMBOCYTOPATHY, ASPLENIA, AND MIOSIS. Identifiers: Orphanet 3204, MedGen C1861451, MONDO:0008497, OMIM 185070.
Combined immunodeficiency due to STIM1 deficiency. Also called: IMMUNODEFICIENCY 10; STIM1 DEFICIENCY. Identifiers: Orphanet 169090, Orphanet 317430, MedGen C2748557, MONDO:0013008, OMIM 612783.
Myopathy with tubular aggregates (TAM). Also called: Tubular Aggregate Myopathy. Identifiers: Orphanet 2593, MedGen C0410207, MONDO:0008051.
Inborn genetic diseases. Identifiers: MedGen C0950123, MeSH D030342.

Allele frequency attached by ClinVar (database versions not stated): ExAC 0.00001; TOPMed 0.00001; gnomAD exomes 0.00002.
gnomAD v4.1: 19 of 1,614,098 alleles (0.0012%); highest among the groups gnomAD compares: South Asian, 0.0044%; no homozygotes.

Submissions (3):

Ambry Genetics
Classification: Uncertain significance for Inborn genetic diseases. Last evaluated: 2026-09-10. Review status: criteria provided, single submitter. Criteria: Ambry Variant Classification Scheme 2023. Collection method: clinical testing. Allele origin: germline.
Comment: The c.1498C>T (p.R500W) alteration is located in exon 11 (coding exon 11) of the STIM1 gene. This alteration results from a C to T substitution at nucleotide position 1498, causing the arginine (R) at amino acid position 500 to be replaced by a tryptophan (W). Based on data from gnomAD, the T allele has an overall frequency of 0.002% (4/251076) total alleles studied. The highest observed frequency was 0.01% (1/10078) of Ashkenazi Jewish alleles. Based on insufficient or conflicting evidence, the clinical significance of this alteration remains unclear.

Revvity Omics, Revvity
Classification: Uncertain significance. Last evaluated: 2025-05-19. Review status: criteria provided, single submitter. Criteria: ACMG Guidelines, 2015. Collection method: clinical testing. Allele origin: germline.

Labcorp Genetics (formerly Invitae), Labcorp
Classification: Uncertain significance for Myopathy with tubular aggregates; Combined immunodeficiency due to STIM1 deficiency; Stormorken syndrome. Last evaluated: 2025-05-05. Review status: criteria provided, single submitter. Criteria: Invitae Variant Classification Sherloc (09022015). Collection method: clinical testing. Allele origin: germline.
Comment: This sequence change replaces arginine, which is basic and polar, with tryptophan, which is neutral and slightly polar, at codon 500 of the STIM1 protein (p.Arg500Trp). This variant is present in population databases (rs772902514, gnomAD 0.01%). This variant has not been reported in the literature in individuals affected with STIM1-related conditions. ClinVar contains an entry for this variant (Variation ID: 1023852). Invitae Evidence Modeling of protein sequence and biophysical properties (such as structural, functional, and spatial information, amino acid conservation, physicochemical variation, residue mobility, and thermodynamic stability) has been performed for this missense variant. However, the output from this modeling did not meet the statistical confidence thresholds required to predict the impact of this variant on STIM1 protein function. In summary, the available evidence is currently insufficient to determine the role of this variant in disease. Therefore, it has been classified as a Variant of Uncertain Significance.